The following is an entry in ClinVar:

ClinVar aggregate classification (germline): Uncertain significance (1 of 4 stars; one submission).

Conditions:
Neuroferritinopathy (NBIA3). Also called: NEURODEGENERATION WITH BRAIN IRON ACCUMULATION 3; BASAL GANGLIA DISEASE, ADULT-ONSET. Identifiers: Orphanet 157846, MedGen C1853578, MONDO:0011638, OMIM 606159.
Hereditary hyperferritinemia with congenital cataracts. Also called: Hereditary hyperferritinemia cataract syndrome; Bonneau-Beaumont syndrome; HYPERFERRITINEMIA WITH OR WITHOUT CATARACT. Identifiers: Orphanet 163, MedGen C1833213, MONDO:0010952, OMIM 600886.

Submission:

Labcorp Genetics (formerly Invitae), Labcorp
Classification: Uncertain significance for Neuroferritinopathy; Hereditary hyperferritinemia with congenital cataracts. Last evaluated: 2026-01-15. Review status: criteria provided, single submitter. Criteria: Invitae Variant Classification Sherloc (09022015). Collection method: clinical testing. Allele origin: germline.
Comment: This sequence change replaces lysine, which is basic and polar, with arginine, which is basic and polar, at codon 84 of the FTL protein (p.Lys84Arg). This variant is present in population databases (rs768238316, gnomAD 0.0009%). This variant has not been reported in the literature in individuals affected with FTL-related conditions. ClinVar contains an entry for this variant (Variation ID: 3750832). An algorithm developed to predict the effect of missense changes on protein structure and function (PolyPhen-2) suggests that this variant is likely to be disruptive. In summary, the available evidence is currently insufficient to determine the role of this variant in disease. Therefore, it has been classified as a Variant of Uncertain Significance.

NM_000146.4(FTL):c.251A>G (p.Lys84Arg)

Gene: FTL (ferritin light chain; plus strand). Cytogenetic location: 19q13.33.
Variant type: single nucleotide variant.
Coding change: c.251A>G on transcript NM_000146.4 (MANE Select); coding-DNA position 251, A replaced by G.
Protein change: p.Lys84Arg; replaces lysine 84 with arginine.
Molecular consequence: missense variant.
Genome position (GRCh38, 1-based): chr19:48,966,282, A>G. VCF-style: chr19-48966282-A-G. GRCh37 (hg19) VCF-style: chr19-49469539-A-G.
Other names: short protein forms K84R.
Identifiers: ClinVar variation 3750832 (VCV003750832.2).